The following is an entry in ClinVar:

NM_005633.4(SOS1):c.1262A>T (p.Lys421Met)

Gene: SOS1 (SOS Ras/Rac guanine nucleotide exchange factor 1; minus strand). Cytogenetic location: 2p22.1.
Variant type: single nucleotide variant.
Coding change: c.1262A>T on transcript NM_005633.4 (MANE Select); coding-DNA position 1262, A replaced by T.
Protein change: p.Lys421Met; replaces lysine 421 with methionine.
Molecular consequence: missense variant.
Genome position (GRCh38, 1-based): chr2:39,023,166, T>A on the plus strand (A>T on the coding strand, the complement: SOS1 is on the minus strand). VCF-style: chr2-39023166-T-A. GRCh37 (hg19) VCF-style: chr2-39250307-T-A.
Other names: c.1241A>T, p.Lys414Met (NM_001382394.1); c.1262A>T, p.Lys421Met (NM_001382395.1); short protein forms K414M, K421M.
Identifiers: ClinVar variation 2817611 (VCV002817611.3), dbSNP rs769027463, ClinGen allele CA1624612.

ClinVar aggregate classification (germline): Uncertain significance (1 of 4 stars; one submission).

Conditions:
RASopathy. Also called: rasopathies; Noonan spectrum disorder. Identifiers: Orphanet 536391, MedGen C5555857, MONDO:0021060.

Allele frequency attached by ClinVar (database versions not stated): ExAC 0.00001.

Submission:

Labcorp Genetics (formerly Invitae), Labcorp
Classification: Uncertain significance for RASopathy. Last evaluated: 2022-11-30. Review status: criteria provided, single submitter. Criteria: Invitae Variant Classification Sherloc (09022015). Collection method: clinical testing. Allele origin: germline.
Comment: This variant has not been reported in the literature in individuals affected with SOS1-related conditions. This variant is present in population databases (rs769027463, gnomAD 0.0009%). This sequence change replaces lysine, which is basic and polar, with methionine, which is neutral and non-polar, at codon 421 of the SOS1 protein (p.Lys421Met). In summary, the available evidence is currently insufficient to determine the role of this variant in disease. Therefore, it has been classified as a Variant of Uncertain Significance. Advanced modeling of protein sequence and biophysical properties (such as structural, functional, and spatial information, amino acid conservation, physicochemical variation, residue mobility, and thermodynamic stability) performed at Invitae indicates that this missense variant is expected to disrupt SOS1 protein function.